The following is an entry in ClinVar:

ClinVar aggregate classification (germline): Uncertain significance (1 of 4 stars; one submission).

Conditions:
Severe combined immunodeficiency due to DNA-PKcs deficiency. Also called: Immunodeficiency 26 with or without neurologic abnormalities; IMMUNODEFICIENCY 26 WITH NEUROLOGIC ABNORMALITIES. Identifiers: Orphanet 317425, MedGen C4014833, MONDO:0014423, OMIM 615966.

Allele frequency attached by ClinVar (database versions not stated): gnomAD 0.00001 and 0.00002; ExAC 0.00002; TOPMed 0.00002; gnomAD exomes 0.00003.
gnomAD v4.1: 33 of 1,613,736 alleles (0.002%); highest among the groups gnomAD compares: South Asian, 0.031%; 1 homozygote.

Submission:

Labcorp Genetics (formerly Invitae), Labcorp
Classification: Uncertain significance for Severe combined immunodeficiency due to DNA-PKcs deficiency. Last evaluated: 2026-01-05. Review status: criteria provided, single submitter. Criteria: Invitae Variant Classification Sherloc (09022015). Collection method: clinical testing. Allele origin: germline.
Comment: This sequence change replaces arginine, which is basic and polar, with histidine, which is basic and polar, at codon 3965 of the PRKDC protein (p.Arg3965His). This variant is present in population databases (rs762827851, gnomAD 0.02%). This variant has not been reported in the literature in individuals affected with PRKDC-related conditions. ClinVar contains an entry for this variant (Variation ID: 661231). Invitae Evidence Modeling of protein sequence and biophysical properties (such as structural, functional, and spatial information, amino acid conservation, physicochemical variation, residue mobility, and thermodynamic stability) indicates that this missense variant is not expected to disrupt PRKDC protein function with a negative predictive value of 80%. In summary, the available evidence is currently insufficient to determine the role of this variant in disease. Therefore, it has been classified as a Variant of Uncertain Significance.

NM_006904.7(PRKDC):c.11894G>A (p.Arg3965His)

Gene: PRKDC (protein kinase, DNA-activated, catalytic subunit; minus strand). Cytogenetic location: 8q11.21.
Variant type: single nucleotide variant.
Coding change: c.11894G>A on transcript NM_006904.7 (MANE Select); coding-DNA position 11894, G replaced by A.
Protein change: p.Arg3965His; replaces arginine 3965 with histidine.
Molecular consequence: missense variant.
Genome position (GRCh38, 1-based): chr8:47,777,834, C>T on the plus strand (G>A on the coding strand, the complement: PRKDC is on the minus strand). VCF-style: chr8-47777834-C-T. GRCh37 (hg19) VCF-style: chr8-48690395-C-T.
Other names: c.11801G>A, p.Arg3934His (NM_001081640.2); short protein forms R3965H, R3934H.
Identifiers: ClinVar variation 661231 (VCV000661231.4), dbSNP rs762827851, ClinGen allele CA4738961.
Genomic context (GRCh38, chr8:47,777,834, plus strand): 5'-ACCATGATGCTGTACATAAGGCCCGTTTCTTTCATTGGTAACATCAGATTGATAAACTGG[C>T]GAGTTAGCCGAAAAGGCATCAACTCAGGGACTGGCAGAAACTAAACAAGAAAAAAGGCAA-3'
Protein context (NP_008835.5, residues 3955-3975): VPELMPFRLT[Arg3965His]QFINLMLPMK